The following is an entry in ClinVar:

ClinVar aggregate classification (germline): Uncertain significance (1 of 4 stars; one submission).

Allele frequency attached by ClinVar (database versions not stated): TOPMed below 0.00001; gnomAD exomes 0.00001.
gnomAD v4.1: 11 of 1,611,304 alleles (0.00068%); highest among the groups gnomAD compares: Non-Finnish European, 0.00085%; no homozygotes.

Submission:

Labcorp Genetics (formerly Invitae), Labcorp
Classification: Uncertain significance. Last evaluated: 2021-04-25. Review status: criteria provided, single submitter. Criteria: Invitae Variant Classification Sherloc (09022015). Collection method: clinical testing. Allele origin: germline.
Comment: In summary, the available evidence is currently insufficient to determine the role of this variant in disease. Therefore, it has been classified as a Variant of Uncertain Significance. Algorithms developed to predict the effect of missense changes on protein structure and function are either unavailable or do not agree on the potential impact of this missense change (SIFT: "Deleterious"; PolyPhen-2: "Possibly Damaging"; Align-GVGD: "Class C0"). This variant has not been reported in the literature in individuals with ADGRV1-related conditions. This variant is not present in population databases (ExAC no frequency). This sequence change replaces threonine with proline at codon 1135 of the ADGRV1 protein (p.Thr1135Pro). The threonine residue is moderately conserved and there is a small physicochemical difference between threonine and proline.

NM_032119.4(ADGRV1):c.3403A>C (p.Thr1135Pro)

Gene: ADGRV1 (adhesion G protein-coupled receptor V1; plus strand). Cytogenetic location: 5q14.3.
Variant type: single nucleotide variant.
Coding change: c.3403A>C on transcript NM_032119.4 (MANE Select); coding-DNA position 3403, A replaced by C.
Protein change: p.Thr1135Pro; replaces threonine 1135 with proline.
Molecular consequence: missense variant. On other transcripts: non-coding transcript variant (1).
Genome position (GRCh38, 1-based): chr5:90,651,717, A>C. VCF-style: chr5-90651717-A-C. GRCh37 (hg19) VCF-style: chr5-89947534-A-C.
Other names: short protein forms T1135P.
Identifiers: ClinVar variation 1525257 (VCV001525257.8), dbSNP rs765717832, ClinGen allele CA121837701.